The following is an entry in ClinVar:

ClinVar aggregate classification (germline): Uncertain significance. Review status: criteria provided, multiple submitters, no conflicts (2 of 4 stars). 2 submissions from 2 submitters: Uncertain significance (2). Last evaluated 2025-05-16.

Conditions:
Isovaleryl-CoA dehydrogenase deficiency (IVA). Also called: ISOVALERIC ACID CoA DEHYDROGENASE DEFICIENCY; Isovaleric acidemia; IVD DEFICIENCY; Classic Isovaleric Acidemia. Identifiers: Orphanet 33, MedGen C0268575, MONDO:0009475, OMIM 243500.

Allele frequency attached by ClinVar (database versions not stated): gnomAD exomes below 0.00001; gnomAD 0.00001.
gnomAD v4.1: 8 of 1,613,954 alleles (0.0005%); highest among the groups gnomAD compares: Admixed American, 0.0067%; no homozygotes.

Submissions (2):

Dasa
Classification: Uncertain significance. Last evaluated: 2025-05-16. Review status: criteria provided, single submitter. Criteria: DASA Assertion Criteria. Collection method: clinical testing. Allele origin: germline.
Comment: NM_002225.5(IVD):c.1088A>T (p.Tyr363Phe) is a missense variant that results in the substitution of tyrosine with phenylalanine. This variant is rare in population databases. Computational prediction algorithms are consistent with a benign effect. The currently available literature and clinical evidence are not sufficient to establish a definitive association between this variant and the reported condition. Therefore, this variant is classified as a variant of uncertain significance.

Labcorp Genetics (formerly Invitae), Labcorp
Classification: Uncertain significance for Isovaleryl-CoA dehydrogenase deficiency. Last evaluated: 2022-07-28. Review status: criteria provided, single submitter. Criteria: Invitae Variant Classification Sherloc (09022015). Collection method: clinical testing. Allele origin: germline.
Comment: This sequence change replaces tyrosine, which is neutral and polar, with phenylalanine, which is neutral and non-polar, at codon 366 of the IVD protein (p.Tyr366Phe). This variant is not present in population databases (gnomAD no frequency). This variant has not been reported in the literature in individuals affected with IVD-related conditions. Algorithms developed to predict the effect of missense changes on protein structure and function (SIFT, PolyPhen-2, Align-GVGD) all suggest that this variant is likely to be tolerated. In summary, the available evidence is currently insufficient to determine the role of this variant in disease. Therefore, it has been classified as a Variant of Uncertain Significance.

NM_002225.5(IVD):c.1088A>T (p.Tyr363Phe)

Gene: IVD (isovaleryl-CoA dehydrogenase; plus strand). Cytogenetic location: 15q15.1.
Variant type: single nucleotide variant.
Coding change: c.1088A>T on transcript NM_002225.5 (MANE Select); coding-DNA position 1088, A replaced by T.
Protein change: p.Tyr363Phe; replaces tyrosine 363 with phenylalanine.
Molecular consequence: missense variant. On other transcripts: non-coding transcript variant (1).
Genome position (GRCh38, 1-based): chr15:40,416,312, A>T. VCF-style: chr15-40416312-A-T. GRCh37 (hg19) VCF-style: chr15-40708511-A-T.
Other names: c.998A>T, p.Tyr333Phe (NM_001159508.3); c.1040A>T, p.Tyr347Phe (NM_001354597.3); c.1088A>T, p.Tyr363Phe (NM_001354598.3, NM_001354601.3); c.1175A>T, p.Tyr392Phe (NM_001354599.3, NM_001354600.3); short protein forms Y363F, Y333F, Y347F, Y392F.
Identifiers: ClinVar variation 2150188 (VCV002150188.3), dbSNP rs1282267401, ClinGen allele CA391723796.